The following is an entry in ClinVar:

NM_000179.3(MSH6):c.3573T>C (p.Phe1191=)

Gene: MSH6 (mutS homolog 6; plus strand). Cytogenetic location: 2p16.3.
Variant type: single nucleotide variant.
Coding change: c.3573T>C on transcript NM_000179.3 (MANE Select); coding-DNA position 3573, T replaced by C.
Protein change: p.Phe1191=; no amino-acid change (phenylalanine 1191 retained).
Molecular consequence: synonymous variant. On other transcripts: non-coding transcript variant (5).
Genome position (GRCh38, 1-based): chr2:47,805,634, T>C. VCF-style: chr2-47805634-T-C. GRCh37 (hg19) VCF-style: chr2-48032773-T-C.
Other names: c.3183T>C, p.Phe1061= (NM_001281492.2); c.2667T>C, p.Phe889= (NM_001281493.2, NM_001281494.2, NM_001406811.1 and 6 more transcripts); c.3669T>C, p.Phe1223= (NM_001406795.1, NM_001406802.1); c.3573T>C, p.Phe1191= (NM_001406796.1, NM_001406800.1, NM_001406808.1 and 1 more transcripts); c.3276T>C, p.Phe1092= (NM_001406797.1, NM_001406801.1, NM_001406805.1 and 10 more transcripts); c.3399T>C, p.Phe1133= (NM_001406798.1); c.3048T>C, p.Phe1016= (NM_001406799.1, NM_001406806.1, NM_001406807.1); c.2709T>C, p.Phe903= (NM_001406803.1); and 7 more.
Identifiers: ClinVar variation 1953334 (VCV001953334.7), dbSNP rs1558390698, ClinGen allele CA425997265.

ClinVar aggregate classification (germline): Conflicting classifications of pathogenicity. Review status: criteria provided, conflicting classifications (1 of 4 stars). 3 submissions from 3 submitters: Uncertain significance (1); Likely benign (2). Last evaluated 2026-01-31.

Conditions:
Hereditary nonpolyposis colorectal neoplasms. Identifiers: MedGen C0009405, MeSH D003123.
Hereditary cancer-predisposing syndrome. Also called: Hereditary neoplastic syndrome; Tumor predisposition; Hereditary Cancer Syndrome; Neoplastic Syndromes, Hereditary. Identifiers: Orphanet 140162, MedGen C0027672, MeSH D009386, MONDO:0015356.

Submissions (3):

Labcorp Genetics (formerly Invitae), Labcorp
Classification: Likely benign for Hereditary nonpolyposis colorectal neoplasms. Last evaluated: 2026-01-31. Review status: criteria provided, single submitter. Criteria: Invitae Variant Classification Sherloc (09022015). Collection method: clinical testing. Allele origin: germline.

Quest Diagnostics Nichols Institute San Juan Capistrano
Classification: Uncertain significance. Last evaluated: 2024-09-08. Review status: criteria provided, single submitter. Criteria: Quest Diagnostics criteria. Collection method: clinical testing. Allele origin: unknown.
Comment: The MSH6 c.3573T>C (p.Phe1191=) synonymous variant has not been reported in individuals with MSH6-related conditions in the published literature. It also has not been reported in large, multi-ethnic general populations (Genome Aggregation Database). Analysis of this variant using software algorithms for the prediction of the effect of nucleotide changes on splicing yielded predictions that this variant does not affect MSH6 mRNA splicing. Based on the available information, we are unable to determine the clinical significance of this variant.

Ambry Genetics
Classification: Likely benign for Hereditary cancer-predisposing syndrome. Last evaluated: 2024-06-25. Review status: criteria provided, single submitter. Criteria: Ambry Variant Classification Scheme 2023. Collection method: clinical testing. Allele origin: germline.